The following is an entry in ClinVar:

NM_004415.4(DSP):c.4098T>G (p.Phe1366Leu)

Gene: DSP (desmoplakin; plus strand). Cytogenetic location: 6p24.3.
Variant type: single nucleotide variant.
Coding change: c.4098T>G on transcript NM_004415.4 (MANE Select); coding-DNA position 4098, T replaced by G.
Protein change: p.Phe1366Leu; replaces phenylalanine 1366 with leucine.
Molecular consequence: missense variant. On other transcripts: intron variant (2).
Genome position (GRCh38, 1-based): chr6:7,580,288, T>G. VCF-style: chr6-7580288-T-G. GRCh37 (hg19) VCF-style: chr6-7580521-T-G.
Other names: c.4050+48T>G (NM_001319034.2); c.3582+516T>G (NM_001008844.3); short protein forms F1366L.
Identifiers: ClinVar variation 1737792 (VCV001737792.7), dbSNP rs1430146519, ClinGen allele CA362685554.
Genomic context (GRCh38, chr6:7,580,288, plus strand): 5'-TGAACTGAGTAAGGTAAGAAACAATTATGATGAGGAGATCATTAGCTTAAAAAATCAGTT[T>G]GAGACCGAGATCAACATCACCAAGACCACCATCCACCAGCTCACCATGCAGAAGGAAGAG-3'
Protein context (NP_004406.2, residues 1356-1376): DEEIISLKNQ[Phe1366Leu]ETEINITKTT

ClinVar aggregate classification (germline): Conflicting classifications of pathogenicity. Review status: criteria provided, conflicting classifications (1 of 4 stars). 2 submissions from 2 submitters: Uncertain significance (1); Likely benign (1). Last evaluated 2024-12-30.

Conditions:
Arrhythmogenic cardiomyopathy with wooly hair and keratoderma. Also called: Dilated cardiomyopathy with woolly hair and keratoderma; PALMOPLANTAR KERATODERMA WITH LEFT VENTRICULAR CARDIOMYOPATHY AND WOOLLY HAIR; Carvajal syndrome; Arrhythmogenic cardiomyopathy with woolly hair and keratoderma. Identifiers: Orphanet 65282, MedGen C1854063, MONDO:0011581, OMIM 605676.
Arrhythmogenic right ventricular dysplasia 8 (ARVD8). Also called: Arrhythmogenic Right Ventricular Dysplasia/Cardiomyopathy 8; ARRHYTHMOGENIC RIGHT VENTRICULAR DYSPLASIA, FAMILIAL, 8; ARRHYTHMOGENIC RIGHT VENTRICULAR CARDIOMYOPATHY 8. Identifiers: MedGen C1843896, MONDO:0011831, OMIM 607450.
Cardiovascular phenotype. Identifiers: MedGen CN230736.

Allele frequency attached by ClinVar (database versions not stated): gnomAD exomes below 0.00001.
gnomAD v4.1: 2 of 1,611,650 alleles (0.00012%); highest among the groups gnomAD compares: African/African-American, 0.0027%; no homozygotes.

Submissions (2):

Labcorp Genetics (formerly Invitae), Labcorp
Classification: Likely benign for Arrhythmogenic cardiomyopathy with wooly hair and keratoderma; Arrhythmogenic right ventricular dysplasia 8. Last evaluated: 2024-12-30. Review status: criteria provided, single submitter. Criteria: Invitae Variant Classification Sherloc (09022015). Collection method: clinical testing. Allele origin: germline.

Ambry Genetics
Classification: Uncertain significance for Cardiovascular phenotype. Last evaluated: 2021-06-23. Review status: criteria provided, single submitter. Criteria: Ambry Variant Classification Scheme 2023. Collection method: clinical testing. Allele origin: germline.
Comment: The p.F1366L variant (also known as c.4098T>G), located in coding exon 23 of the DSP gene, results from a T to G substitution at nucleotide position 4098. The phenylalanine at codon 1366 is replaced by leucine, an amino acid with highly similar properties. This amino acid position is conserved. In addition, this alteration is predicted to be tolerated by in silico analysis. Since supporting evidence is limited at this time, the clinical significance of this alteration remains unclear.